The following is an entry in ClinVar:

NM_000051.4(ATM):c.5675-3C>T

Gene: ATM (ATM serine/threonine kinase; plus strand). Cytogenetic location: 11q22.3.
Variant type: single nucleotide variant.
Coding change: c.5675-3C>T on transcript NM_000051.4 (MANE Select); 3 bases into the intron before coding-DNA position 5675, C replaced by T.
Molecular consequence: intron variant.
Genome position (GRCh38, 1-based): chr11:108,307,894, C>T. VCF-style: chr11-108307894-C-T. GRCh37 (hg19) VCF-style: chr11-108178621-C-T.
Other names: c.5675-3C>T (NM_001351834.2).
Identifiers: ClinVar variation 3802317 (VCV003802317.1).

ClinVar aggregate classification (germline): Uncertain significance (1 of 4 stars; one submission).

Conditions:
Hereditary cancer-predisposing syndrome. Also called: Neoplastic Syndromes, Hereditary; Hereditary Cancer Syndrome; Tumor predisposition; Hereditary neoplastic syndrome. Identifiers: Orphanet 140162, MedGen C0027672, MeSH D009386, MONDO:0015356.

gnomAD v4.1: 1 of 1,612,010 alleles (0.000062%); highest among the groups gnomAD compares: African/African-American, 0.0013%; no homozygotes.

Submission:

Ambry Genetics
Classification: Uncertain significance for Hereditary cancer-predisposing syndrome. Last evaluated: 2025-02-12. Review status: criteria provided, single submitter. Criteria: Ambry Variant Classification Scheme 2023. Collection method: clinical testing. Allele origin: germline.
Comment: The c.5675-3C>T intronic variant results from a C to T substitution 3 nucleotides upstream from coding exon 37 in the ATM gene. This nucleotide position is not well conserved in available vertebrate species. In silico splice site analysis for this alteration is inconclusive. Based on the available evidence, the clinical significance of this variant remains unclear.